The following is an entry in ClinVar:

ClinVar aggregate classification (germline): Uncertain significance (1 of 4 stars; one submission).

Conditions:
Hypertrophic cardiomyopathy. Also called: HYPERTROPHIC MYOCARDIOPATHY. Identifiers: Orphanet 217569, MedGen C0007194, MeSH D002312, MONDO:0005045, HP:0001639.

Submission:

Labcorp Genetics (formerly Invitae), Labcorp
Classification: Uncertain significance for Hypertrophic cardiomyopathy. Last evaluated: 2024-10-15. Review status: criteria provided, single submitter. Criteria: Invitae Variant Classification Sherloc (09022015). Collection method: clinical testing. Allele origin: germline.
Comment: This sequence change falls in intron 39 of the MYH7 gene. It does not directly change the encoded amino acid sequence of the MYH7 protein. It affects a nucleotide within the consensus splice site. Information on the frequency of this variant in the gnomAD database is not available, as this variant may be reported differently in the database. This variant has not been reported in the literature in individuals affected with MYH7-related conditions. Variants that disrupt the consensus splice site are a relatively common cause of aberrant splicing (PMID: 17576681, 9536098). Algorithms developed to predict the effect of sequence changes on RNA splicing suggest that this variant may disrupt the consensus splice site. In summary, the available evidence is currently insufficient to determine the role of this variant in disease. Therefore, it has been classified as a Variant of Uncertain Significance.

Literature cited by the submitters: PubMed 17576681; PubMed 9536098.

NM_000257.4(MYH7):c.5791-2_5791-1delinsT

Gene: MYH7 (myosin heavy chain 7; minus strand). Cytogenetic location: 14q11.2.
Variant type: Indel.
Coding change: c.5791-2_5791-1delinsT on transcript NM_000257.4 (MANE Select); the canonical splice acceptor site of the intron before coding-DNA position 5791, AG replaced by T.
Molecular consequence: splice acceptor variant.
Genome position (GRCh38, 1-based): chr14:23,412,872-23,412,873, CT replaced by A on the plus strand (AG replaced by T on the coding strand, the reverse complement: MYH7 is on the minus strand). VCF-style: chr14-23412872-CT-A. GRCh37 (hg19) VCF-style: chr14-23882081-CT-A.
Identifiers: ClinVar variation 968602 (VCV000968602.5), dbSNP rs1892029271, ClinGen allele CA1139663369.